The following is an entry in ClinVar:

NM_015102.5(NPHP4):c.2281G>A (p.Gly761Arg)

Gene: NPHP4 (nephrocystin 4; minus strand). Cytogenetic location: 1p36.31.
Variant type: single nucleotide variant.
Coding change: c.2281G>A on transcript NM_015102.5 (MANE Select); coding-DNA position 2281, G replaced by A.
Protein change: p.Gly761Arg; replaces glycine 761 with arginine.
Molecular consequence: missense variant. On other transcripts: non-coding transcript variant (1).
Genome position (GRCh38, 1-based): chr1:5,890,891, C>T on the plus strand (G>A on the coding strand, the complement: NPHP4 is on the minus strand). VCF-style: chr1-5890891-C-T. GRCh37 (hg19) VCF-style: chr1-5950951-C-T.
Other names: c.742G>A, p.Gly248Arg (NM_001291593.2); c.745G>A, p.Gly249Arg (NM_001291594.2); short protein forms G248R, G761R, G249R.
Identifiers: ClinVar variation 4739017 (VCV004739017.1).

ClinVar aggregate classification (germline): Uncertain significance (1 of 4 stars; one submission).

Conditions:
Nephronophthisis. Also called: Juvenile Nephronophthisis. Identifiers: Orphanet 655, MedGen C0687120, MONDO:0019005, HP:0000090.

gnomAD v4.1: 9 of 1,610,248 alleles (0.00056%); highest among the groups gnomAD compares: South Asian, 0.0044%; no homozygotes.

Submission:

Labcorp Genetics (formerly Invitae), Labcorp
Classification: Uncertain significance for Nephronophthisis. Last evaluated: 2025-07-01. Review status: criteria provided, single submitter. Criteria: Invitae Variant Classification Sherloc (09022015). Collection method: clinical testing. Allele origin: germline.
Comment: This sequence change replaces glycine, which is neutral and non-polar, with arginine, which is basic and polar, at codon 761 of the NPHP4 protein (p.Gly761Arg). The frequency data for this variant in the population databases is considered unreliable, as metrics indicate poor data quality at this position in the gnomAD database. This missense change has been observed in individual(s) with NPHP4-related conditions (PMID: 33323469). Invitae Evidence Modeling of protein sequence and biophysical properties (such as structural, functional, and spatial information, amino acid conservation, physicochemical variation, residue mobility, and thermodynamic stability) indicates that this missense variant is expected to disrupt NPHP4 protein function with a positive predictive value of 80%. In summary, the available evidence is currently insufficient to determine the role of this variant in disease. Therefore, it has been classified as a Variant of Uncertain Significance.

Literature cited by the submitters: PubMed 33323469.